The following is an entry in ClinVar:

ClinVar aggregate classification (germline): Uncertain significance (1 of 4 stars; one submission).

Submission:

Women's Health and Genetics/Laboratory Corporation of America, LabCorp
Classification: Uncertain significance. Last evaluated: 2025-11-06. Review status: criteria provided, single submitter. Criteria: LabCorp Variant Classification Summary - May 2015. Collection method: clinical testing. Allele origin: germline.
Comment: Variant summary: The variant involves the duplication of exons 8-14 in the MSTO1 gene. The exact breakpoint at the 3' end of this variant is unknown, therefore this duplication may extend downstream of the annotated region of the gene. As it duplicates the termination codon, its effect on the encoded protein is unknown. A presumed nomenclature of c.(678+1_679-1)_(*679_?)dup has been designated for the purposes of this classification. The variant was absent in 20662 control chromosomes. The available data on variant occurrences in the general population are insufficient to allow any conclusion about variant significance. To our knowledge, no occurrence of c.(678+1_679-1)_(*679_?)dup in individuals affected with MSTO1-related conditions and no experimental evidence demonstrating its impact on protein function have been reported. No submitters have cited clinical-significance assessments for this variant to ClinVar. Based on the evidence outlined above, the variant was classified as uncertain significance.

NC_000001.10:g.(155581892_155581972)_(155584743_?)dup

Gene: MSTO1 (misato mitochondrial distribution and morphology regulator 1; plus strand). Cytogenetic location: 1q22.
Variant type: Duplication.
Identifiers: ClinVar variation 4537020 (VCV004537020.1).